The following is an entry in ClinVar:

NM_207122.2(EXT2):c.1037A>G (p.Asp346Gly)

Gene: EXT2 (exostosin glycosyltransferase 2; plus strand). Cytogenetic location: 11p11.2.
Variant type: single nucleotide variant.
Coding change: c.1037A>G on transcript NM_207122.2 (MANE Select); coding-DNA position 1037, A replaced by G.
Protein change: p.Asp346Gly; replaces aspartic acid 346 with glycine.
Molecular consequence: missense variant.
Genome position (GRCh38, 1-based): chr11:44,126,913, A>G. VCF-style: chr11-44126913-A-G. GRCh37 (hg19) VCF-style: chr11-44148463-A-G.
Other names: c.1136A>G, p.Asp379Gly (NM_000401.3); c.1037A>G, p.Asp346Gly (NM_001178083.3, NM_001389628.1, NM_001389630.1); short protein forms D379G, D346G.
Identifiers: ClinVar variation 5007865 (VCV005007865.2).
Genomic context (GRCh38, chr11:44,126,913, plus strand): 5'-TGGGCCAGGCAGTATTGAGCGATGTGTTACAAGCTGGCTGTGTCCCGGTTGTCATTGCAG[A>G]CTCCTATATTTTGCCTTTCTCTGAAGTTCTTGACTGGAAGAGGTGGGTAGTACCTCCTAG-3'
Protein context (NP_997005.1, residues 336-356): QAGCVPVVIA[Asp346Gly]SYILPFSEVL

ClinVar aggregate classification (germline): Uncertain significance (1 of 4 stars; one submission).

Conditions:
Seizures-scoliosis-macrocephaly syndrome. Also called: SEIZURES, SCOLIOSIS, AND MACROCEPHALY/MICROCEPHALY SYNDROME; Seizures, scoliosis, and macrocephaly syndrome. Identifiers: Orphanet 466926, MedGen C4225248, MONDO:0014731, OMIM 616682.
Exostoses, multiple, type 2 (EXT2). Also called: Hereditary Multiple Osteochondromatosis, Type II; EXOSTOSES, MULTIPLE, TYPE II. Identifiers: Orphanet 321, MedGen C1851413, MONDO:0007586, OMIM 133701.

Submission:

Juno Genomics, Hangzhou Juno Genomics, Inc
Classification: Uncertain significance for Exostoses, multiple, type 2; Seizures-scoliosis-macrocephaly syndrome. Review status: criteria provided, single submitter. Criteria: ACMG Guidelines, 2015. Collection method: clinical testing. Allele origin: germline.
Comment: Absent from controls (or at extremely low frequency if recessive) in Genome Aggregation Database.;Multiple lines of computational evidence support a deleterious effect on the gene or gene product.